The following is an entry in ClinVar:

ClinVar aggregate classification (germline): Conflicting classifications of pathogenicity. Review status: criteria provided, conflicting classifications (1 of 4 stars). 6 submissions from 6 submitters: Uncertain significance (1); Likely benign (5). Last evaluated 2025-07-14.

Conditions:
Charcot-Marie-Tooth disease axonal type 2O. Also called: CHARCOT-MARIE-TOOTH NEUROPATHY, AXONAL, TYPE 2O; CHARCOT-MARIE-TOOTH DISEASE, AXONAL, AUTOSOMAL DOMINANT, TYPE 2O; Charcot-Marie-Tooth Neuropathy Type 2O; Charcot-Marie-Tooth disease, axonal, type 20. Identifiers: Orphanet 284232, MedGen C3280220, MONDO:0013644, OMIM 614228.
DYNC1H1-related disorder. Also called: DYNC1H1-related condition; DYNC1H1-related disorders. Identifiers: MedGen CN381529.
Inborn genetic diseases. Identifiers: MedGen C0950123, MeSH D030342.

Allele frequency attached by ClinVar (database versions not stated): gnomAD 0.00003 and 0.00004; TOPMed 0.00005.
gnomAD v4.1: 155 of 1,614,116 alleles (0.0096%); highest among the groups gnomAD compares: Non-Finnish European, 0.013%; no homozygotes.

Submissions (6):

Labcorp Genetics (formerly Invitae), Labcorp
Classification: Likely benign for Charcot-Marie-Tooth disease axonal type 2O. Last evaluated: 2025-07-14. Review status: criteria provided, single submitter. Criteria: Invitae Variant Classification Sherloc (09022015). Collection method: clinical testing. Allele origin: germline.

CeGaT Center for Human Genetics Tuebingen
Classification: Likely benign. Last evaluated: 2025-07-01. Review status: criteria provided, single submitter. Criteria: CeGaT Center For Human Genetics Tuebingen Variant Classification Criteria Version 2. Collection method: clinical testing. Allele origin: germline. Affected: yes. Observed: 2 variant alleles.
Comment: DYNC1H1: BS2

PreventionGenetics, part of Exact Sciences
Classification: Likely benign for DYNC1H1-related condition. Last evaluated: 2025-06-26. Review status: criteria provided, single submitter. Criteria: ACMG Guidelines, 2015. Collection method: clinical testing. Allele origin: germline.
Comment: This variant is classified as likely benign based on ACMG/AMP sequence variant interpretation guidelines (Richards et al. 2015 PMID: 25741868, with internal and published modifications).

Mayo Clinic Laboratories, Mayo Clinic
Classification: Uncertain significance. Last evaluated: 2023-08-21. Review status: criteria provided, single submitter. Criteria: ACMG Guidelines, 2015. Collection method: clinical testing. Allele origin: germline. Observed: 1 variant allele.
Comment: BS2, PP2

Ambry Genetics
Classification: Likely benign for Inborn genetic diseases. Last evaluated: 2020-02-21. Review status: criteria provided, single submitter. Criteria: Ambry Variant Classification Scheme 2023. Collection method: clinical testing. Allele origin: germline.

GeneDx
Classification: Likely benign. Last evaluated: 2019-11-21. Review status: criteria provided, single submitter. Criteria: GeneDx Variant Classification Process June 2021. Collection method: clinical testing. Allele origin: germline. Affected: yes.
Comment: In silico analysis, which includes protein predictors and evolutionary conservation, supports a deleterious effect; This variant is associated with the following publications: (PMID: 26392352, 26901136)

Literature cited by the submitters: PubMed 26392352 (cited by Mayo Clinic Laboratories, Mayo Clinic).

NM_001376.5(DYNC1H1):c.5248G>A (p.Val1750Met)

Gene: DYNC1H1 (dynein cytoplasmic 1 heavy chain 1; plus strand). Cytogenetic location: 14q32.31.
Variant type: single nucleotide variant.
Coding change: c.5248G>A on transcript NM_001376.5 (MANE Select); coding-DNA position 5248, G replaced by A.
Protein change: p.Val1750Met; replaces valine 1750 with methionine.
Molecular consequence: missense variant.
Genome position (GRCh38, 1-based): chr14:102,005,051, G>A. VCF-style: chr14-102005051-G-A. GRCh37 (hg19) VCF-style: chr14-102471388-G-A.
Other names: p.Val1750Met; short protein forms V1750M.
Identifiers: ClinVar variation 472541 (VCV000472541.37), dbSNP rs199740595, ClinGen allele CA7352386.